The following is an entry in ClinVar:

ClinVar aggregate classification (germline): Conflicting classifications of pathogenicity. Review status: criteria provided, conflicting classifications (1 of 4 stars). 11 submissions from 11 submitters: Uncertain significance (8); Likely benign (2). 1 of the submissions does not count toward it. Last evaluated 2026-06-09.

Conditions:
TTN-related disorder. Also called: TTN-related condition; TTN-related disease; TTN-related disorders.
Cardiovascular phenotype. Identifiers: MedGen CN230736.
Autosomal recessive limb-girdle muscular dystrophy type 2J (LGMDR10). Also called: Limb-girdle muscular dystrophy, type 2J; MUSCULAR DYSTROPHY, LIMB-GIRDLE, AUTOSOMAL RECESSIVE 10. Identifiers: Orphanet 140922, MedGen C1837342, MONDO:0012127, OMIM 608807.
Dilated cardiomyopathy 1G (CMD1G). Identifiers: Orphanet 154, MedGen C1858763, MONDO:0011400, OMIM 604145.
Cardiomyopathy (CMYO). Also called: Cardiomyopathies. Identifiers: Orphanet 167848, MedGen C0878544, MONDO:0004994, HP:0001638. Inheritance: Various modes of inheritance.

Allele frequency attached by ClinVar (database versions not stated): ExAC 0.00003; ESP Exome Variant Server 0.00008; gnomAD exomes 0.00008 and 0.00018; gnomAD 0.00012; TOPMed 0.00015; 1000 Genomes Project 0.00020; 1000 Genomes Project 30x 0.00031.
gnomAD v4.1: 286 of 1,612,248 alleles (0.018%); highest among the groups gnomAD compares: Non-Finnish European, 0.022%; no homozygotes.

Submissions (11):

PreventionGenetics, part of Exact Sciences
Classification: Uncertain significance for TTN-related condition. Last evaluated: 2026-06-09. Review status: criteria provided, single submitter. Criteria: ACMG Guidelines, 2015. Collection method: clinical testing. Allele origin: germline.
Comment: The TTN c.81671A>G variant is predicted to result in the amino acid substitution p.Asn27224Ser. This variant has been reported in individuals with dilated or hypertrophic cardiomyopathy (described as p.Asn24656Ser in Table S1, Campuzano et al. 2015. PubMed ID: 26516846; described as p.Asn24656Ser in Table S2, Burstein et al. 2020. PubMed ID: 32746448). This variant is reported in 0.018% of alleles in individuals of European (Non-Finnish) descent in gnomAD. Although we suspect that this variant may be benign, at this time, the clinical significance of this variant is uncertain due to the absence of conclusive functional and genetic evidence.

Women's Health and Genetics/Laboratory Corporation of America, LabCorp
Classification: Uncertain significance. Last evaluated: 2026-03-04. Review status: criteria provided, single submitter. Criteria: LabCorp Variant Classification Summary - May 2015. Collection method: clinical testing. Allele origin: germline.
Comment: Variant summary: TTN c.73967A>G (p.Asn24656Ser) results in a conservative amino acid change located in the A-band region of the encoded protein sequence. Algorithms developed to predict the effect of missense changes on protein structure and function are either unavailable or do not agree on the potential impact of this missense change. The variant allele was found at a frequency of 8.2e-05 in 243932 control chromosomes. This frequency is not significantly higher than estimated for disease-causing variants in TTN, allowing no conclusion about variant significance. c.73967A>G has been reported in the literature in individuals affected with cardiomyopathy without strong evidence for causality (e.g. Campuzano_2015, Burstein_2021, Martinez-Barrios_2022, Perez-Serra_2024). These report(s) do not provide unequivocal conclusions about association of the variant with Autosomal Recessive Titinopathy. To our knowledge, no experimental evidence demonstrating an impact on protein function has been reported. The following publications have been ascertained in the context of this evaluation (PMID: 32746448, 26516846, 35207729, 38612618). ClinVar contains an entry for this variant (Variation ID: 47401). Based on the evidence outlined above, the variant was classified as uncertain significance.

Revvity Omics, Revvity
Classification: Uncertain significance. Last evaluated: 2022-05-12. Review status: criteria provided, single submitter. Criteria: ACMG Guidelines, 2015. Collection method: clinical testing. Allele origin: germline.

Ambry Genetics
Classification: Likely benign for Cardiovascular phenotype. Last evaluated: 2020-06-12. Review status: criteria provided, single submitter. Criteria: Ambry Variant Classification Scheme 2023. Collection method: clinical testing. Allele origin: germline.

CHEO Genetics Diagnostic Laboratory, Children's Hospital of Eastern Ontario
Classification: Uncertain significance for Cardiomyopathy. Last evaluated: 2019-07-05. Review status: criteria provided, single submitter. Criteria: ACMG Guidelines, 2015. Collection method: clinical testing. Allele origin: germline.

Athena Diagnostics
Classification: Uncertain significance. Last evaluated: 2019-02-21. Review status: criteria provided, single submitter. Criteria: Athena Diagnostics Criteria. Collection method: clinical testing. Allele origin: germline.

GeneDx
Classification: Likely benign. Last evaluated: 2018-09-20. Review status: criteria provided, single submitter. Criteria: GeneDx Variant Classification Process June 2021. Collection method: clinical testing. Allele origin: germline. Affected: yes.

Eurofins Ntd Llc (ga)
Classification: Uncertain significance. Last evaluated: 2018-07-11. Review status: criteria provided, single submitter. Criteria: EGL ClinVar v180209 classification definitions. Collection method: clinical testing. Allele origin: germline. Observed: 3 variant alleles, 3 heterozygotes.

Labcorp Genetics (formerly Invitae), Labcorp
Classification: Uncertain significance for Dilated cardiomyopathy 1G; Autosomal recessive limb-girdle muscular dystrophy type 2J. Last evaluated: 2017-10-10. Review status: criteria provided, single submitter. Criteria: Invitae Variant Classification Sherloc (09022015). Collection method: clinical testing. Allele origin: germline.

Laboratory for Molecular Medicine, Mass General Brigham Personalized Medicine
Classification: Uncertain significance. Last evaluated: 2014-02-13. Review status: criteria provided, single submitter. Criteria: LMM Criteria. Collection method: clinical testing. Allele origin: germline. Observed: 2 variant alleles.
Comment: The Asn24656Ser variant in TTN has not been reported in the literature. This variant has been identified in 1/8194 European American chromosomes from a broad population by the NHLBI Exome Sequencing Project (.edu/EVS/ ). The clinical features of that individual are uncertain. The affecte d amino acid is highly conserved in evolution suggesting that a change may not b e tolerated. Other computational analyses (biochemical amino acid properties, Al ignGVGD, PolyPhen2, and SIFT) do not provide strong support for or against an im pact to the protein. Additional information is needed to fully assess the clini cal significance of the Asn24656Ser variant.

Clinical Genetics DNA and cytogenetics Diagnostics Lab, Erasmus MC, Erasmus Medical Center
Classification: Uncertain significance. Review status: no assertion criteria provided. Collection method: clinical testing. Allele origin: germline. Affected: yes. Study: VKGL Data-share Consensus. Not counted in ClinVar's aggregate classification.

Literature cited by the submitters: PubMed 26516846 (cited by Women's Health and Genetics/Laboratory Corporation of America, LabCorp); PubMed 32746448 (cited by Women's Health and Genetics/Laboratory Corporation of America, LabCorp); PubMed 35207729 (cited by Women's Health and Genetics/Laboratory Corporation of America, LabCorp); PubMed 38612618 (cited by Women's Health and Genetics/Laboratory Corporation of America, LabCorp).

NM_001267550.2(TTN):c.81671A>G (p.Asn27224Ser)

Genes: TTN (titin; minus strand), TTN-AS1 (TTN antisense RNA 1; plus strand). Cytogenetic location: 2q31.2.
Variant type: single nucleotide variant.
Coding change: c.81671A>G on transcript NM_001267550.2 (MANE Select); coding-DNA position 81671, A replaced by G.
Protein change: p.Asn27224Ser; replaces asparagine 27224 with serine.
Molecular consequence: missense variant.
Genome position (GRCh38, 1-based): chr2:178,564,461, T>C on the plus strand (A>G on the coding strand, the complement: TTN is on the minus strand). VCF-style: chr2-178564461-T-C. GRCh37 (hg19) VCF-style: chr2-179429188-T-C.
Other names: c.73967A>G, p.Asn24656Ser (NM_133378.4); c.76748A>G, p.Asn25583Ser (NM_001256850.1); c.54476A>G, p.Asn18159Ser (NM_003319.4); c.54851A>G, p.Asn18284Ser (NM_133432.3); c.55052A>G, p.Asn18351Ser (NM_133437.4); short protein forms N27224S, N24656S, N18159S, N18284S, N25583S, N18351S.
Identifiers: ClinVar variation 47401 (VCV000047401.35), dbSNP rs368443217, ClinGen allele CA140891.
Genomic context (GRCh38, chr2:178,564,461, plus strand): 5'-CTAAATTCATATCTTTGGTCTTCTACAAGTCCACTCACTGTAAATTCAGTTTCTAATACG[T>C]TGGTAAAGCTGGCTTTCATCCAGCGGCCATCAGGTAGATCTTTCTTTTCTACAATATAAC-3'
Protein context (NP_001254479.2, residues 27214-27234): DGRWMKASFT[Asn27224Ser]VLETEFTVSG